The following is an entry in ClinVar:

ClinVar aggregate classification (germline): Uncertain significance (1 of 4 stars; one submission).

Conditions:
Myofibrillar myopathy 5. Also called: Filaminopathy (type); FILAMINOPATHY, AUTOSOMAL DOMINANT. Identifiers: Orphanet 171445, MedGen C1836050, MONDO:0012289, OMIM 609524.
Hypertrophic cardiomyopathy 26. Also called: Cardiomyopathy, familial hypertrophic, 26. Identifiers: Orphanet 75249, MedGen C4310749, MONDO:0014883, OMIM 617047.
Distal myopathy with posterior leg and anterior hand involvement. Also called: WILLIAMS DISTAL MYOPATHY. Identifiers: Orphanet 63273, MedGen C3279722, MONDO:0013550, OMIM 614065.

Allele frequency attached by ClinVar (database versions not stated): gnomAD exomes 0.00001.
gnomAD v4.1: 3 of 1,614,068 alleles (0.00019%); highest among the groups gnomAD compares: Non-Finnish European, 0.00025%; no homozygotes.

Submission:

Labcorp Genetics (formerly Invitae), Labcorp
Classification: Uncertain significance for Distal myopathy with posterior leg and anterior hand involvement; Myofibrillar myopathy 5; Hypertrophic cardiomyopathy 26. Last evaluated: 2022-06-13. Review status: criteria provided, single submitter. Criteria: Invitae Variant Classification Sherloc (09022015). Collection method: clinical testing. Allele origin: germline.
Comment: This variant has not been reported in the literature in individuals affected with FLNC-related conditions. This variant is present in population databases (no rsID available, gnomAD 0.0009%). This sequence change replaces isoleucine, which is neutral and non-polar, with methionine, which is neutral and non-polar, at codon 134 of the FLNC protein (p.Ile134Met). Algorithms developed to predict the effect of missense changes on protein structure and function are either unavailable or do not agree on the potential impact of this missense change (SIFT: "Deleterious"; PolyPhen-2: "Probably Damaging"; Align-GVGD: "Class C0"). In summary, the available evidence is currently insufficient to determine the role of this variant in disease. Therefore, it has been classified as a Variant of Uncertain Significance.

NM_001458.5(FLNC):c.402C>G (p.Ile134Met)

Gene: FLNC (filamin C; plus strand). Cytogenetic location: 7q32.1.
Variant type: single nucleotide variant.
Coding change: c.402C>G on transcript NM_001458.5 (MANE Select); coding-DNA position 402, C replaced by G.
Protein change: p.Ile134Met; replaces isoleucine 134 with methionine.
Molecular consequence: missense variant.
Genome position (GRCh38, 1-based): chr7:128,835,375, C>G. VCF-style: chr7-128835375-C-G. GRCh37 (hg19) VCF-style: chr7-128475429-C-G.
Other names: c.402C>G, p.Ile134Met (NM_001127487.2); short protein forms I134M.
Identifiers: ClinVar variation 2159813 (VCV002159813.4), dbSNP rs1455597166, ClinGen allele CA369218838.